The following is an entry in ClinVar:

NM_170707.4(LMNA):c.357-3719G>A

Gene: LMNA (lamin A/C; plus strand). Cytogenetic location: 1q22.
Variant type: single nucleotide variant.
Coding change: c.357-3719G>A on transcript NM_170707.4 (MANE Select); 3719 bases into the intron before coding-DNA position 357, G replaced by A.
Molecular consequence: intron variant. On other transcripts: synonymous variant (3), 5 prime UTR variant (2).
Genome position (GRCh38, 1-based): chr1:156,126,898, G>A. VCF-style: chr1-156126898-G-A. GRCh37 (hg19) VCF-style: chr1-156096689-G-A.
Other names: c.96G>A, p.Ala32= (NM_001282624.2, NM_001406986.1, NM_001406987.1); c.-254G>A (NM_001406996.1); c.-326G>A (NM_001406999.1); c.357-3719G>A (NM_001406983.1, NM_001282625.2, NM_001406984.1 and 6 more transcripts); c.-45-7505G>A (NM_001407002.1, NM_001406995.1, NM_001406990.1); c.-202-3719G>A (NM_001406993.1, NM_001407003.1); c.-308-3719G>A (NM_001407000.1, NM_001406994.1); c.-151-7505G>A (NM_001407001.1); and 3 more.
Identifiers: ClinVar variation 3358135 (VCV003358135.2).
Genomic context (GRCh38, chr1:156,126,898, plus strand): 5'-TGCAAGGGAAAGGACTGGCACTCTGCTGGCACAGCACCCGGCCTGGGGCAGGACACGGGC[G>A]AAGCCAGGGTCTCCCCTGTGAGCACTAGAGGATTTCCCGACCCCTGCCCGGGTATTGTGT-3'

ClinVar aggregate classification (germline): Likely benign. Review status: criteria provided, single submitter (1 of 4 stars). 2 submissions from 2 submitters: Likely benign (1). 1 of the submissions does not count toward it. Last evaluated 2024-08-28.

Conditions:
LMNA-related disorder. Also called: LMNA-related condition; LMNA-related disease; LMNA-related disorders. Identifiers: MedGen CN380145.

gnomAD v4.1: 51 of 1,607,486 alleles (0.0032%); highest among the groups gnomAD compares: Middle Eastern, 0.016%; no homozygotes.

Submissions (2):

Blueprint Genetics
Classification: Likely benign. Last evaluated: 2024-08-28. Review status: criteria provided, single submitter. Criteria: ACMG Guidelines, 2015. Collection method: clinical testing. Allele origin: germline.

PreventionGenetics, part of Exact Sciences
Classification: Likely benign for LMNA-related condition. Last evaluated: 2024-06-21. Review status: no assertion criteria provided. Collection method: clinical testing. Allele origin: germline. Not counted in ClinVar's aggregate classification.
Comment: This variant is classified as likely benign based on ACMG/AMP sequence variant interpretation guidelines (Richards et al. 2015 PMID: 25741868, with internal and published modifications).